The following is an entry in ClinVar:

ClinVar aggregate classification (germline): Pathogenic (1 of 4 stars; one submission).

Submission:

GeneDx
Classification: Pathogenic. Last evaluated: 2017-10-31. Review status: criteria provided, single submitter. Criteria: GeneDx Variant Classification (06012015). Collection method: clinical testing. Allele origin: germline. Affected: yes.
Comment: The c.2909dupT variant in the SETD5 gene has not been reported previously as a pathogenic variantnor as a benign variant, to our knowledge. The c.2909dupT variant causes a frameshift starting with codon Arginine 971, changes this amino acid to a Glutamic Acid residue, and creates a premature Stop codon at position 39 of the new reading frame, denoted p.Arg971GlufsX39. This variant is predicted to cause loss of normal protein function either through protein truncation or nonsense-mediated mRNA decay. The c.2909dupT variant is not observed in large population cohorts (Lek et al., 2016). We interpret c.2909dupT as a pathogenic variant.

NM_001080517.3(SETD5):c.2909dup (p.Arg971fs)

Gene: SETD5 (SET domain containing 5; plus strand). Cytogenetic location: 3p25.3.
Variant type: Duplication.
Coding change: c.2909dup on transcript NM_001080517.3 (MANE Select); coding-DNA position 2909, one base duplicated (T; older notation c.2909dupT).
Protein change: p.Arg971fs; shifts the reading frame from arginine 971.
Molecular consequence: frameshift variant.
Genome position (GRCh38, 1-based): chr3:9,470,643, T duplicated. VCF-style (leftmost placement, unchanged base first): chr3-9470642-G-GT. GRCh37 (hg19) VCF-style: chr3-9512326-G-GT.
Other names: c.2615dup, p.Arg873fs (NM_001292043.2, NM_001349451.2); short protein forms R971fs, R873fs.
Identifiers: ClinVar variation 453120 (VCV000453120.2), dbSNP rs1553638877, ClinGen allele CA658657266.